The following is an entry in ClinVar:

ClinVar aggregate classification (germline): Benign/Likely benign. Review status: criteria provided, multiple submitters, no conflicts (2 of 4 stars). 8 submissions from 8 submitters: Benign (1); Likely benign (7). Last evaluated 2026-01-19.

Conditions:
Ehlers-Danlos syndrome, kyphoscoliotic type, 2. Also called: Ehlers-Danlos syndrome, kyphoscoliotic and deafness type; FKBP14-Kyphoscoliotic Ehlers-Danlos Syndrome; Ehlers-Danlos syndrome with progressive kyphoscoliosis, myopathy, and hearing loss. Identifiers: Orphanet 300179, MedGen C3281160, MONDO:0013800, OMIM 614557.
Cardiovascular phenotype. Identifiers: MedGen CN230736.
FKBP14-related disorder. Also called: FKBP14-related condition.
Ehlers-Danlos syndrome (EDS). Identifiers: Orphanet 98249, MedGen C0013720, MONDO:0020066.

Allele frequency attached by ClinVar (database versions not stated): ExAC 0.00041; ESP Exome Variant Server 0.00108; 1000 Genomes Project 30x 0.00125; 1000 Genomes Project 0.00140; TOPMed 0.00159; gnomAD 0.00162 and 0.00173.
gnomAD v4.1: 490 of 1,613,596 alleles (0.03%); highest among the groups gnomAD compares: African/African-American, 0.59%; 1 homozygote.

Submissions (8):

Women's Health and Genetics/Laboratory Corporation of America, LabCorp
Classification: Likely benign. Last evaluated: 2026-01-19. Review status: criteria provided, single submitter. Criteria: LabCorp Variant Classification Summary - May 2015. Collection method: clinical testing. Allele origin: germline.

Labcorp Genetics (formerly Invitae), Labcorp
Classification: Benign for Ehlers-Danlos syndrome, kyphoscoliotic type, 2. Last evaluated: 2026-01-07. Review status: criteria provided, single submitter. Criteria: Invitae Variant Classification Sherloc (09022015). Collection method: clinical testing. Allele origin: germline.

CeGaT Center for Human Genetics Tuebingen
Classification: Likely benign. Last evaluated: 2025-11-01. Review status: criteria provided, single submitter. Criteria: CeGaT Center For Human Genetics Tuebingen Variant Classification Criteria Version 2. Collection method: clinical testing. Allele origin: germline. Affected: yes. Observed: 2 variant alleles.
Comment: FKBP14: BP4, BP7

PreventionGenetics, part of Exact Sciences
Classification: Likely benign for FKBP14-related condition. Last evaluated: 2025-04-17. Review status: criteria provided, single submitter. Criteria: ACMG Guidelines, 2015. Collection method: clinical testing. Allele origin: germline.
Comment: This variant is classified as likely benign based on ACMG/AMP sequence variant interpretation guidelines (Richards et al. 2015 PMID: 25741868, with internal and published modifications).

Blueprint Genetics
Classification: Likely benign. Last evaluated: 2024-10-07. Review status: criteria provided, single submitter. Criteria: ACMG Guidelines, 2015. Collection method: clinical testing. Allele origin: germline.

Genome Diagnostics Laboratory, The Hospital for Sick Children
Classification: Likely benign for Ehlers-Danlos syndrome. Last evaluated: 2021-10-21. Review status: criteria provided, single submitter. Criteria: ACMG Guidelines, 2015. Collection method: clinical testing. Allele origin: germline.

Ambry Genetics
Classification: Likely benign for Cardiovascular phenotype. Last evaluated: 2019-03-01. Review status: criteria provided, single submitter. Criteria: Ambry Variant Classification Scheme 2023. Collection method: clinical testing. Allele origin: germline.

GeneDx
Classification: Likely benign. Last evaluated: 2016-10-21. Review status: criteria provided, single submitter. Criteria: GeneDx Variant Classification (06012015). Collection method: clinical testing. Allele origin: germline. Affected: yes.
Comment: This variant is considered likely benign or benign based on one or more of the following criteria: it is a conservative change, it occurs at a poorly conserved position in the protein, it is predicted to be benign by multiple in silico algorithms, and/or has population frequency not consistent with disease.

NM_017946.4(FKBP14):c.330C>T (p.Gly110=)

Genes: FKBP14 (FKBP prolyl isomerase 14; minus strand), FKBP14-AS1 (FKBP14 antisense RNA 1; plus strand). Cytogenetic location: 7p14.3.
Variant type: single nucleotide variant.
Coding change: c.330C>T on transcript NM_017946.4 (MANE Select); coding-DNA position 330, C replaced by T.
Protein change: p.Gly110=; no amino-acid change (glycine 110 retained).
Molecular consequence: synonymous variant. On other transcripts: non-coding transcript variant (1).
Genome position (GRCh38, 1-based): chr7:30,022,684, G>A on the plus strand (C>T on the coding strand, the complement: FKBP14 is on the minus strand). VCF-style: chr7-30022684-G-A. GRCh37 (hg19) VCF-style: chr7-30062300-G-A.
Identifiers: ClinVar variation 390200 (VCV000390200.44), dbSNP rs148034796, ClinGen allele CA4203437.